The following is an entry in ClinVar:

ClinVar aggregate classification (germline): Uncertain significance. Review status: criteria provided, multiple submitters, no conflicts (2 of 4 stars). 2 submissions from 2 submitters: Uncertain significance (2). Last evaluated 2026-04-14.

Conditions:
Low phospholipid associated cholelithiasis (GBD1). Also called: Gallstone cholecystitis; Gallbladder disease 1. Identifiers: Orphanet 69663, MedGen C2609268, MONDO:0010939, OMIM 600803.

gnomAD v4.1: 23 of 1,613,420 alleles (0.0014%); highest among the groups gnomAD compares: Non-Finnish European, 0.0019%; no homozygotes.

Submissions (2):

Genomenon, Inc
Classification: Uncertain significance for Low phospholipid associated cholelithiasis. Last evaluated: 2026-04-14. Review status: criteria provided, single submitter. Criteria: Genomenon Sequence Variant Interpretation Standards - Updated. Collection method: curation. Allele origin: germline. Affected: yes.
Comment: ABCB4 p.Glu647Lys (c.1939G>A) is a missense variant that changes the amino acid at residue 647 from Glutamic acid to Lysine. This variant has been observed in at least one proband with an ABCB4-related disorder (PMID:23533021). It is absent or not present at a significant frequency in gnomAD. In silico models predict that this variant is possibly or probably damaging. In conclusion, we classify ABCB4 p.Glu647Lys (c.1939G>A) as a variant of uncertain significance.

Women's Health and Genetics/Laboratory Corporation of America, LabCorp
Classification: Uncertain significance. Last evaluated: 2025-02-10. Review status: criteria provided, single submitter. Criteria: LabCorp Variant Classification Summary - May 2015. Collection method: clinical testing. Allele origin: germline.
Comment: Variant summary: ABCB4 c.1939G>A (p.Glu647Lys) results in a conservative amino acid change in the encoded protein sequence. Four of five in-silico tools predict a benign effect of the variant on protein function. The variant allele was found at a frequency of 8e-06 in 250940 control chromosomes. The available data on variant occurrences in the general population are insufficient to allow any conclusion about variant significance. c.1939G>A has been reported in the literature in an individual with the clinical presentation of low-phospholipid-associated cholelithiasis syndrome (e.g., Poupon_2013). This report does not provide unequivocal conclusions about association of the variant with Familial Intrahepatic Cholestasis. To our knowledge, no experimental evidence demonstrating an impact on protein function has been reported. The following publication has been ascertained in the context of this evaluation (PMID: 23533021). No submitters have cited clinical-significance assessments for this variant to ClinVar. Based on the evidence outlined above, the variant was classified as uncertain significance.

Literature cited by the submitters: PubMed 23533021 (cited by Genomenon, Inc and Women's Health and Genetics/Laboratory Corporation of America, LabCorp).

NM_000443.4(ABCB4):c.1939G>A (p.Glu647Lys)

Gene: ABCB4 (ATP binding cassette subfamily B member 4; minus strand). Cytogenetic location: 7q21.12.
Variant type: single nucleotide variant.
Coding change: c.1939G>A on transcript NM_000443.4 (MANE Select); coding-DNA position 1939, G replaced by A.
Protein change: p.Glu647Lys; replaces glutamic acid 647 with lysine.
Molecular consequence: missense variant.
Genome position (GRCh38, 1-based): chr7:87,426,875, C>T on the plus strand (G>A on the coding strand, the complement: ABCB4 is on the minus strand). VCF-style: chr7-87426875-C-T. GRCh37 (hg19) VCF-style: chr7-87056191-C-T.
Other names: c.1939G>A, p.Glu647Lys (NM_018849.3, NM_018850.3); short protein forms E647K.
Identifiers: ClinVar variation 3768626 (VCV003768626.2).